The following is an entry in ClinVar:

ClinVar aggregate classification (germline): Pathogenic (1 of 4 stars; one submission).

Conditions:
Dyskeratosis congenita, autosomal dominant 2. Identifiers: MedGen C3151443, MONDO:0013521, OMIM 613989.
Idiopathic Pulmonary Fibrosis. Also called: Idiopathic fibrosing alveolitis, chronic form; idiopathic fibrosing alveolitis. Identifiers: Orphanet 2032, MedGen C1800706, MeSH D054990, MONDO:0800504.

Submission:

Labcorp Genetics (formerly Invitae), Labcorp
Classification: Pathogenic for Dyskeratosis congenita, autosomal dominant 2; Idiopathic Pulmonary Fibrosis. Last evaluated: 2022-06-22. Review status: criteria provided, single submitter. Criteria: Invitae Variant Classification Sherloc (09022015). Collection method: clinical testing. Allele origin: germline.
Comment: For these reasons, this variant has been classified as Pathogenic. This variant has not been reported in the literature in individuals affected with TERT-related conditions. This variant is not present in population databases (gnomAD no frequency). This sequence change creates a premature translational stop signal (p.Leu877Profs*15) in the TERT gene. It is expected to result in an absent or disrupted protein product. Loss-of-function variants in TERT are known to be pathogenic (PMID: 16247010, 17460043).

Literature cited by the submitters: PubMed 16247010; PubMed 17460043.

NM_198253.3(TERT):c.2630_2634del (p.Leu877fs)

Gene: TERT (telomerase reverse transcriptase; minus strand). Cytogenetic location: 5p15.33.
Variant type: Microsatellite.
Coding change: c.2630_2634del on transcript NM_198253.3 (MANE Select); coding-DNA positions 2630 to 2634, 5 bases deleted (TCACC; older notation c.2630_2634delTCACC).
Protein change: p.Leu877fs; shifts the reading frame from leucine 877.
Molecular consequence: frameshift variant. On other transcripts: non-coding transcript variant (2).
Genome position (GRCh38, 1-based): chr5:1,266,484-1,266,488, GGTGA deleted on the plus strand (TCACC on the coding strand, the reverse complement: TERT is on the minus strand); deleting any 5 consecutive bases within chr5:1,266,484-1,266,497 gives the same sequence; the c. name uses the placement nearest the transcript's 3' end. VCF-style (leftmost placement, unchanged base first): chr5-1266483-GGGTGA-G. GRCh37 (hg19) VCF-style: chr5-1266598-GGGTGA-G.
Other names: c.2630_2634del, p.Leu877fs (NM_001193376.3); c.2621_2625CACCT[1], p.Leu877Profs (NM_003219.1); short protein forms L877fs.
Identifiers: ClinVar variation 2008972 (VCV002008972.4), dbSNP rs763191618, ClinGen allele CA3184444.